The following is an entry in ClinVar:

ClinVar aggregate classification (germline): Benign/Likely benign. Review status: criteria provided, multiple submitters, no conflicts (2 of 4 stars). 5 submissions from 5 submitters: Benign (2); Likely benign (1). 2 of the submissions do not count toward it. Last evaluated 2024-11-26.

Submissions (5):

Blueprint Genetics
Classification: Likely benign. Last evaluated: 2024-11-26. Review status: criteria provided, single submitter. Criteria: ACMG Guidelines, 2015. Collection method: clinical testing. Allele origin: germline.

Mayo Clinic Laboratories, Mayo Clinic
Classification: Benign. Last evaluated: 2023-06-05. Review status: criteria provided, single submitter. Criteria: ACMG Guidelines, 2015. Collection method: clinical testing. Allele origin: germline. Observed: 19 variant alleles.
Comment: BS1, BS2, BP4, BP7

Labcorp Genetics (formerly Invitae), Labcorp
Classification: Benign. Last evaluated: 2017-07-26. Review status: criteria provided, single submitter. Criteria: Invitae Variant Classification Sherloc (09022015). Collection method: clinical testing. Allele origin: germline.

Clinical Genetics DNA and cytogenetics Diagnostics Lab, Erasmus MC, Erasmus Medical Center
Classification: Benign. Review status: no assertion criteria provided. Collection method: clinical testing. Allele origin: germline. Affected: yes. Study: VKGL Data-share Consensus. Not counted in ClinVar's aggregate classification.

Genome Diagnostics Laboratory, Amsterdam University Medical Center
Classification: Benign. Review status: no assertion criteria provided. Collection method: clinical testing. Allele origin: germline. Affected: yes. Study: VKGL Data-share Consensus. Not counted in ClinVar's aggregate classification.

NM_005235.3(ERBB4):c.884-7dup

Gene: ERBB4 (erb-b2 receptor tyrosine kinase 4; minus strand). Cytogenetic location: 2q34.
Variant type: Duplication.
Coding change: c.884-7dup on transcript NM_005235.3 (MANE Select); 7 bases into the intron before coding-DNA position 884, one base duplicated (T; older notation c.884-7dupT).
Molecular consequence: intron variant.
Genome position (GRCh38, 1-based): chr2:211,713,655, A duplicated on the plus strand (T on the coding strand, the reverse complement: ERBB4 is on the minus strand); the first of 14 consecutive A bases (chr2:211,713,655-211,713,668); duplicating any one gives the same sequence. VCF-style (leftmost placement, unchanged base first): chr2-211713654-T-TA. GRCh37 (hg19) VCF-style: chr2-212578379-T-TA.
Other names: p.?; c.884-7dup (NM_001042599.2, NM_001439006.1, NM_001439005.1).
Identifiers: ClinVar variation 769583 (VCV000769583.7), dbSNP rs67894136, ClinGen allele CA2088294.